The following is an entry in ClinVar:

NM_001136191.3(KANK2):c.88C>T (p.Pro30Ser)

Gene: KANK2 (KN motif and ankyrin repeat domains 2; minus strand). Cytogenetic location: 19p13.2.
Variant type: single nucleotide variant.
Coding change: c.88C>T on transcript NM_001136191.3 (MANE Select); coding-DNA position 88, C replaced by T.
Protein change: p.Pro30Ser; replaces proline 30 with serine.
Molecular consequence: missense variant.
Genome position (GRCh38, 1-based): chr19:11,193,992, G>A on the plus strand (C>T on the coding strand, the complement: KANK2 is on the minus strand). VCF-style: chr19-11193992-G-A. GRCh37 (hg19) VCF-style: chr19-11304668-G-A.
Other names: c.88C>T, p.Pro30Ser (NM_001329451.2, NM_001379548.1, NM_001379549.1 and 15 more transcripts); c.88C>T (NM_015493.6); short protein forms P30S.
Identifiers: ClinVar variation 3640932 (VCV003640932.3).
Genomic context (GRCh38, chr19:11,193,992, plus strand): 5'-CGTACTTGAGGAAGTCCAGGTCCAGGCGGTAGCCATAGGGGGTCTCCACGGAGTAGGGTG[G>A]ATCGGGGTCCTTGGCAGGGAAGGCAGGTGGGGAGGCTGGGCCAGGGGTCCCTGGGGATGG-3'
Protein context (NP_001129663.1, residues 20-40): PPAFPAKDPD[Pro30Ser]PYSVETPYGY

ClinVar aggregate classification (germline): Uncertain significance. Review status: criteria provided, multiple submitters, no conflicts (2 of 4 stars). 2 submissions from 2 submitters: Uncertain significance (2). Last evaluated 2025-07-15.

gnomAD v4.1: 3 of 1,613,428 alleles (0.00019%); highest among the groups gnomAD compares: African/African-American, 0.0013%; no homozygotes.

Submissions (2):

Ambry Genetics
Classification: Uncertain significance. Last evaluated: 2025-07-15. Review status: criteria provided, single submitter. Criteria: Ambry Variant Classification Scheme 2023. Collection method: clinical testing. Allele origin: germline.

Labcorp Genetics (formerly Invitae), Labcorp
Classification: Uncertain significance. Last evaluated: 2024-05-07. Review status: criteria provided, single submitter. Criteria: Invitae Variant Classification Sherloc (09022015). Collection method: clinical testing. Allele origin: germline.
Comment: This sequence change replaces proline, which is neutral and non-polar, with serine, which is neutral and polar, at codon 30 of the KANK2 protein (p.Pro30Ser). This variant is present in population databases (rs368415615, gnomAD 0.01%). This variant has not been reported in the literature in individuals affected with KANK2-related conditions. An algorithm developed to predict the effect of missense changes on protein structure and function (PolyPhen-2) suggests that this variant is likely to be tolerated. In summary, the available evidence is currently insufficient to determine the role of this variant in disease. Therefore, it has been classified as a Variant of Uncertain Significance.